The following is an entry in ClinVar:

ClinVar aggregate classification (germline): Pathogenic/Likely pathogenic. Review status: criteria provided, multiple submitters, no conflicts (2 of 4 stars). 2 submissions from 2 submitters: Pathogenic (1); Likely pathogenic (1). Last evaluated 2023-09-24.

Submissions (2):

GeneDx
Classification: Pathogenic. Last evaluated: 2023-09-24. Review status: criteria provided, single submitter. Criteria: GeneDx Variant Classification Process June 2021. Collection method: clinical testing. Allele origin: germline. Affected: yes.
Comment: Observed in at least one individual with intellectual disability and/or developmental delay in published literature (Bowling et al., 2017; Mulhern et al., 2018); Nonsense variant predicted to result in protein truncation or nonsense mediated decay in a gene for which loss of function is a known mechanism of disease; Not observed at significant frequency in large population cohorts (gnomAD); This variant is associated with the following publications: (PMID: 28554332, 30269351)

HudsonAlpha Institute for Biotechnology
Classification: Likely pathogenic. Last evaluated: 2019-03-29. Review status: criteria provided, single submitter. Criteria: HA_assertions_20161101. Collection method: research. Allele origin: unknown. Inheritance: Autosomal dominant inheritance. Affected: yes. Observed: 1 variant allele.

Literature cited by the submitters: PubMed 30269351 (cited by HudsonAlpha Institute for Biotechnology).

NM_001385012.1(NBEA):c.6637C>T (p.Arg2213Ter)

Gene: NBEA (neurobeachin; plus strand). Cytogenetic location: 13q13.3.
Variant type: single nucleotide variant.
Coding change: c.6637C>T on transcript NM_001385012.1 (MANE Select); coding-DNA position 6637, C replaced by T.
Protein change: p.Arg2213Ter; replaces arginine 2213 with a stop codon.
Molecular consequence: nonsense.
Genome position (GRCh38, 1-based): chr13:35,550,528, C>T. VCF-style: chr13-35550528-C-T. GRCh37 (hg19) VCF-style: chr13-36124665-C-T.
Other names: c.16C>T, p.Arg6Ter (NM_001204197.3); c.6628C>T, p.Arg2210Ter (NM_001379245.1); c.6637C>T, p.Arg2213Ter (NM_015678.5); c.6637C>T (NM_015678.4); short protein forms R2213*, R6*, R2210*.
Identifiers: ClinVar variation 235903 (VCV000235903.4), dbSNP rs878853169, ClinGen allele CA10581488.